The following is an entry in ClinVar:

NM_001267550.2(TTN):c.69662del (p.Gly23221fs)

Genes: TTN-AS1 (TTN antisense RNA 1; plus strand), TTN (titin; minus strand), LOC126806422 (BRD4-independent group 4 enhancer GRCh37_chr2:179440205-179441404; plus strand). Cytogenetic location: 2q31.2.
Variant type: Deletion.
Coding change: c.69662del on transcript NM_001267550.2 (MANE Select); coding-DNA position 69662, one base deleted (G; older notation c.69662delG).
Protein change: p.Gly23221fs; shifts the reading frame from glycine 23221.
Molecular consequence: frameshift variant.
Genome position (GRCh38, 1-based): chr2:178,576,582, C deleted on the plus strand (G on the coding strand, the reverse complement: TTN is on the minus strand); the first of 2 consecutive C bases (chr2:178,576,582-178,576,583); deleting either gives the same sequence. VCF-style (leftmost placement, unchanged base first): chr2-178576581-TC-T. GRCh37 (hg19) VCF-style: chr2-179441308-TC-T.
Other names: c.64739del, p.Gly21580fs (NM_001256850.1); c.42467del, p.Gly14156fs (NM_003319.4); c.61958del, p.Gly20653fs (NM_133378.4); c.42842del, p.Gly14281fs (NM_133432.3); c.43043del, p.Gly14348fs (NM_133437.4); short protein forms G14348fs, G20653fs, G21580fs, G23221fs, G14156fs, G14281fs.
Identifiers: ClinVar variation 3760443 (VCV003760443.2).
Genomic context (GRCh38, chr2:178,576,581, plus strand): 5'-ATACTAACATGCTGCATCTTTCATCAGAACAGAATCTGAAGCCTCACTGGGTGGACCAAT[TC>T]CTGCTCTGTTTTCTGCACTGACACGGAATTCGTAGGTGCTTCCTTCTTGCAGTCCTGTTA-3'

ClinVar aggregate classification (germline): Likely pathogenic (1 of 4 stars; one submission).

Conditions:
Autosomal recessive limb-girdle muscular dystrophy type 2J (LGMDR10). Also called: Limb-girdle muscular dystrophy, type 2J; MUSCULAR DYSTROPHY, LIMB-GIRDLE, AUTOSOMAL RECESSIVE 10. Identifiers: Orphanet 140922, MedGen C1837342, MONDO:0012127, OMIM 608807.
Dilated cardiomyopathy 1G (CMD1G). Identifiers: Orphanet 154, MedGen C1858763, MONDO:0011400, OMIM 604145.

Submission:

Labcorp Genetics (formerly Invitae), Labcorp
Classification: Likely pathogenic for Dilated cardiomyopathy 1G; Autosomal recessive limb-girdle muscular dystrophy type 2J. Last evaluated: 2025-01-27. Review status: criteria provided, single submitter. Criteria: Invitae Variant Classification Sherloc (09022015). Collection method: clinical testing. Allele origin: germline.
Comment: This sequence change creates a premature translational stop signal (p.Gly23221Glufs*13) in the TTN gene. While this is not anticipated to result in nonsense mediated decay, it is expected to create a truncated TTN protein. This variant is not present in population databases (gnomAD no frequency). This variant has not been reported in the literature in individuals affected with TTN-related conditions. This variant is located in the A band of TTN (PMID: 25589632). Truncating variants in this region are significantly overrepresented in patients affected with dilated cardiomyopathy (PMID: 25589632). Truncating variants in this region have also been reported in individuals affected with autosomal recessive centronuclear myopathy (PMID: 23975875). In summary, the currently available evidence indicates that the variant is pathogenic, but additional data are needed to prove that conclusively. Therefore, this variant has been classified as Likely Pathogenic.

Literature cited by the submitters: PubMed 25589632; PubMed 23975875.